The following is an entry in ClinVar:

ClinVar aggregate classification (germline): Uncertain significance. Review status: criteria provided, multiple submitters, no conflicts (2 of 4 stars). 2 submissions from 2 submitters: Uncertain significance (2). Last evaluated 2025-03-22.

Conditions:
ITIH6-related disorder. Also called: ITIH6-related condition.

Allele frequency attached by ClinVar (database versions not stated): gnomAD exomes below 0.00001; TOPMed 0.00002.

Submissions (2):

Ambry Genetics
Classification: Uncertain significance. Last evaluated: 2025-03-22. Review status: criteria provided, single submitter. Criteria: Ambry Variant Classification Scheme 2023. Collection method: clinical testing. Allele origin: germline.

PreventionGenetics, part of Exact Sciences
Classification: Uncertain significance for ITIH6-related condition. Last evaluated: 2023-05-16. Review status: criteria provided, single submitter. Criteria: ACMG Guidelines, 2015. Collection method: clinical testing. Allele origin: germline.
Comment: The ITIH6 c.2448G>C variant is predicted to result in the amino acid substitution p.Gln816His. To our knowledge, this variant has not been reported in the literature or in a large population database, indicating this variant is rare. At this time, the clinical significance of this variant is uncertain due to the absence of conclusive functional and genetic evidence.

NM_198510.3(ITIH6):c.2448G>C (p.Gln816His)

Gene: ITIH6 (inter-alpha-trypsin inhibitor heavy chain family member 6; minus strand). Cytogenetic location: Xp11.22.
Variant type: single nucleotide variant.
Coding change: c.2448G>C on transcript NM_198510.3 (MANE Select); coding-DNA position 2448, G replaced by C.
Protein change: p.Gln816His; replaces glutamine 816 with histidine.
Molecular consequence: missense variant.
Genome position (GRCh38, 1-based): chrX:54,757,626, C>G on the plus strand (G>C on the coding strand, the complement: ITIH6 is on the minus strand). VCF-style: chrX-54757626-C-G. GRCh37 (hg19) VCF-style: chrX-54784059-C-G.
Other names: short protein forms Q816H.
Identifiers: ClinVar variation 2629449 (VCV002629449.2), dbSNP rs1289533058, ClinGen allele CA413274850.